The following is an entry in ClinVar:

NM_177924.5(ASAH1):c.750G>T (p.Gly250=)

Gene: ASAH1 (N-acylsphingosine amidohydrolase 1; minus strand). Cytogenetic location: 8p22.
Variant type: single nucleotide variant.
Coding change: c.750G>T on transcript NM_177924.5 (MANE Select); coding-DNA position 750, G replaced by T.
Protein change: p.Gly250=; no amino-acid change (glycine 250 retained).
Molecular consequence: synonymous variant.
Genome position (GRCh38, 1-based): chr8:18,061,412, C>A on the plus strand (G>T on the coding strand, the complement: ASAH1 is on the minus strand). VCF-style: chr8-18061412-C-A. GRCh37 (hg19) VCF-style: chr8-17918921-C-A.
Other names: c.732G>T, p.Gly244= (NM_001127505.3); c.555G>T, p.Gly185= (NM_001363743.2); c.798G>T, p.Gly266= (NM_004315.6).
Identifiers: ClinVar variation 1168615 (VCV001168615.37), dbSNP rs370895103, ClinGen allele CA4650692.
Genomic context (GRCh38, chr8:18,061,412, plus strand): 5'-ATAGTAAAGCAACGAAACACTTTACCTTGTGCTATTTTCCAGAACTGTTCTAGTGAGGAA[C>A]CCTATCCACATGACATCTTTCTTTCCCAGAATCCATTCTAGAATACCTGGAAGAGATGAA-3'
Protein context (NP_808592.2, residues 240-260): ILGKKDVMWI[Gly250=]FLTRTVLENS

ClinVar aggregate classification (germline): Benign/Likely benign. Review status: criteria provided, multiple submitters, no conflicts (2 of 4 stars). 3 submissions from 3 submitters: Benign (1); Likely benign (2). Last evaluated 2026-08-01.

Allele frequency attached by ClinVar (database versions not stated): TOPMed 0.00006; gnomAD 0.00009 and 0.00018; ESP Exome Variant Server 0.00015; gnomAD exomes 0.00061; ExAC 0.00071; 1000 Genomes Project 30x 0.00078; 1000 Genomes Project 0.00100.
gnomAD v4.1: 475 of 1,613,086 alleles (0.029%); highest among the groups gnomAD compares: South Asian, 0.4%; 6 homozygotes.

Submissions (3):

CeGaT Center for Human Genetics Tuebingen
Classification: Likely benign. Last evaluated: 2026-08-01. Review status: criteria provided, single submitter. Criteria: CeGaT Center For Human Genetics Tuebingen Variant Classification Criteria Version 2. Collection method: clinical testing. Allele origin: germline. Affected: yes. Observed: 4 variant alleles.
Comment: ASAH1: BP4, BP7

Labcorp Genetics (formerly Invitae), Labcorp
Classification: Benign. Last evaluated: 2026-01-05. Review status: criteria provided, single submitter. Criteria: Invitae Variant Classification Sherloc (09022015). Collection method: clinical testing. Allele origin: germline.

Blueprint Genetics
Classification: Likely benign. Last evaluated: 2024-11-19. Review status: criteria provided, single submitter. Criteria: ACMG Guidelines, 2015. Collection method: clinical testing. Allele origin: germline.